The following is an entry in ClinVar:

ClinVar aggregate classification (germline): Likely benign. Review status: criteria provided, multiple submitters, no conflicts (2 of 4 stars). 5 submissions from 5 submitters: Likely benign (5). Last evaluated 2026-01-08.

Conditions:
Cardiovascular phenotype. Identifiers: MedGen CN230736.
Cardiomyopathy (CMYO). Also called: Cardiomyopathies. Identifiers: Orphanet 167848, MedGen C0878544, MONDO:0004994, HP:0001638. Inheritance: Various modes of inheritance.
Arrhythmogenic right ventricular dysplasia 12. Also called: ARRHYTHMOGENIC RIGHT VENTRICULAR DYSPLASIA, FAMILIAL, 12. Identifiers: MedGen C1969081, MONDO:0012684, OMIM 611528.
Naxos disease (NXD). Also called: KERATOSIS PALMOPLANTARIS WITH ARRHYTHMOGENIC CARDIOMYOPATHY; MAL DE NAXOS; CARDIOMYOPATHY, ARRHYTHMOGENIC RIGHT VENTRICULAR, WITH SKIN, HAIR, AND NAIL ABNORMALITIES; PALMOPLANTAR KERATODERMA WITH ARRHYTHMOGENIC RIGHT VENTRICULAR CARDIOMYOPATHY AND WOOLLY HAIR; WOOLLY HAIR, PALMOPLANTAR KERATODERMA, AND CARDIAC ABNORMALITIES. Identifiers: Orphanet 34217, MedGen C1832600, MONDO:0011017, OMIM 601214.

Allele frequency attached by ClinVar (database versions not stated): gnomAD exomes 0.00001 and 0.00003; TOPMed 0.00001.
gnomAD v4.1: 47 of 1,613,708 alleles (0.0029%); highest among the groups gnomAD compares: Non-Finnish European, 0.0036%; no homozygotes.

Submissions (5):

Labcorp Genetics (formerly Invitae), Labcorp
Classification: Likely benign for Arrhythmogenic right ventricular dysplasia 12; Naxos disease. Last evaluated: 2026-01-08. Review status: criteria provided, single submitter. Criteria: Invitae Variant Classification Sherloc (09022015). Collection method: clinical testing. Allele origin: germline.

CHEO Genetics Diagnostic Laboratory, Children's Hospital of Eastern Ontario
Classification: Likely benign for Cardiomyopathy. Last evaluated: 2023-06-27. Review status: criteria provided, single submitter. Criteria: ACMG Guidelines, 2015. Collection method: clinical testing. Allele origin: germline.

Blueprint Genetics
Classification: Likely benign. Last evaluated: 2023-03-16. Review status: criteria provided, single submitter. Criteria: ACMG Guidelines, 2015. Collection method: clinical testing. Allele origin: germline.

Ambry Genetics
Classification: Likely benign for Cardiovascular phenotype. Last evaluated: 2022-11-19. Review status: criteria provided, single submitter. Criteria: Ambry Variant Classification Scheme 2023. Collection method: clinical testing. Allele origin: germline.

GeneDx
Classification: Likely benign. Last evaluated: 2016-10-20. Review status: criteria provided, single submitter. Criteria: GeneDx Variant Classification (06012015). Collection method: clinical testing. Allele origin: germline. Affected: yes.
Comment: This variant is considered likely benign or benign based on one or more of the following criteria: it is a conservative change, it occurs at a poorly conserved position in the protein, it is predicted to be benign by multiple in silico algorithms, and/or has population frequency not consistent with disease.

NM_002230.4(JUP):c.1165C>T (p.Leu389=)

Gene: JUP (junction plakoglobin; minus strand). Cytogenetic location: 17q21.2.
Variant type: single nucleotide variant.
Coding change: c.1165C>T on transcript NM_002230.4 (MANE Select); coding-DNA position 1165, C replaced by T.
Protein change: p.Leu389=; no amino-acid change (leucine 389 retained).
Molecular consequence: synonymous variant.
Genome position (GRCh38, 1-based): chr17:41,763,315, G>A on the plus strand (C>T on the coding strand, the complement: JUP is on the minus strand). VCF-style: chr17-41763315-G-A. GRCh37 (hg19) VCF-style: chr17-39919567-G-A.
Other names: c.1165C>T, p.Leu389= (NM_001352773.2, NM_001352774.2, NM_001352775.2 and 3 more transcripts).
Identifiers: ClinVar variation 389884 (VCV000389884.15), dbSNP rs1057523570, ClinGen allele CA16607641.